The following is an entry in ClinVar:

NM_021815.5(SLC5A7):c.1649G>A (p.Ser550Asn)

Gene: SLC5A7 (solute carrier family 5 member 7; plus strand). Cytogenetic location: 2q12.3.
Variant type: single nucleotide variant.
Coding change: c.1649G>A on transcript NM_021815.5 (MANE Select); coding-DNA position 1649, G replaced by A.
Protein change: p.Ser550Asn; replaces serine 550 with asparagine.
Molecular consequence: missense variant.
Genome position (GRCh38, 1-based): chr2:108,010,767, G>A. VCF-style: chr2-108010767-G-A. GRCh37 (hg19) VCF-style: chr2-108627223-G-A.
Other names: c.1649G>A, p.Ser550Asn (NM_001305005.3); c.1334G>A, p.Ser445Asn (NM_001305006.3); c.908G>A, p.Ser303Asn (NM_001305007.3); short protein forms S445N, S303N, S550N.
Identifiers: ClinVar variation 1984637 (VCV001984637.4), dbSNP rs1678297311, ClinGen allele CA348115046.

ClinVar aggregate classification (germline): Uncertain significance (1 of 4 stars; one submission).

Conditions:
Congenital myasthenic syndrome 20. Also called: Myasthenic syndrome, congenital, 20, presynaptic. Identifiers: MedGen C4310694, MONDO:0014939, OMIM 617143.
Neuronopathy, distal hereditary motor, type 7A. Also called: Neuronopathy, distal hereditary motor, type viia; HARPER-YOUNG MYOPATHY; HMN VIIA; NEURONOPATHY, DISTAL HEREDITARY MOTOR, HARDING TYPE VIIA; NEUROPATHY, DISTAL HEREDITARY MOTOR, HARDING TYPE VIIA; Neuronopathy, distal hereditary motor, autosomal dominant 7. Identifiers: Orphanet 139589, MedGen C1834703, MONDO:0008024, OMIM 158580.

Submission:

Labcorp Genetics (formerly Invitae), Labcorp
Classification: Uncertain significance for Neuronopathy, distal hereditary motor, type 7A; Congenital myasthenic syndrome 20. Last evaluated: 2022-03-11. Review status: criteria provided, single submitter. Criteria: Invitae Variant Classification Sherloc (09022015). Collection method: clinical testing. Allele origin: germline.
Comment: In summary, the available evidence is currently insufficient to determine the role of this variant in disease. Therefore, it has been classified as a Variant of Uncertain Significance. Algorithms developed to predict the effect of missense changes on protein structure and function (SIFT, PolyPhen-2, Align-GVGD) all suggest that this variant is likely to be tolerated. This variant has not been reported in the literature in individuals affected with SLC5A7-related conditions. This variant is not present in population databases (gnomAD no frequency). This sequence change replaces serine, which is neutral and polar, with asparagine, which is neutral and polar, at codon 550 of the SLC5A7 protein (p.Ser550Asn).